The following is an entry in ClinVar:

NM_000038.6(APC):c.4780C>T (p.Pro1594Ser)

Gene: APC (APC regulator of Wnt signaling pathway; plus strand). Cytogenetic location: 5q22.2.
Variant type: single nucleotide variant.
Coding change: c.4780C>T on transcript NM_000038.6 (MANE Select); coding-DNA position 4780, C replaced by T.
Protein change: p.Pro1594Ser; replaces proline 1594 with serine.
Molecular consequence: missense variant.
Genome position (GRCh38, 1-based): chr5:112,840,374, C>T. VCF-style: chr5-112840374-C-T. GRCh37 (hg19) VCF-style: chr5-112176071-C-T.
Other names: c.4780C>T, p.Pro1594Ser (NM_001127510.3, NM_001354895.2); c.4726C>T, p.Pro1576Ser (NM_001127511.3); c.4834C>T, p.Pro1612Ser (NM_001354896.2); c.4810C>T, p.Pro1604Ser (NM_001354897.2); c.4705C>T, p.Pro1569Ser (NM_001354898.2); c.4696C>T, p.Pro1566Ser (NM_001354899.2); c.4657C>T, p.Pro1553Ser (NM_001354900.2); c.4603C>T, p.Pro1535Ser (NM_001354901.2); and 5 more; short protein forms P1576S, P1594S, P1311S, P1434S, P1468S, P1503S, P1553S, P1604S.
Identifiers: ClinVar variation 421894 (VCV000421894.22), dbSNP rs1008704701, ClinGen allele CA16031810.
Genomic context (GRCh38, chr5:112,840,374, plus strand): 5'-ATACTAGAAGAATGTATTATTTCTGCCATGCCAACAAAGTCATCACGTAAAGCAAAAAAG[C>T]CAGCCCAGACTGCTTCAAAATTACCTCCACCTGTGGCAAGGAAACCAAGTCAGCTGCCTG-3'
Protein context (NP_000029.2, residues 1584-1604): PTKSSRKAKK[Pro1594Ser]AQTASKLPPP

ClinVar aggregate classification (germline): Uncertain significance. Review status: criteria provided, multiple submitters, no conflicts (2 of 4 stars). 5 submissions from 5 submitters: Uncertain significance (5). Last evaluated 2026-04-28.

Conditions:
Classic or attenuated familial adenomatous polyposis. Identifiers: MedGen CN372698, MONDO:0021057.
Hereditary cancer-predisposing syndrome. Also called: Hereditary Cancer Syndrome; Tumor predisposition; Hereditary neoplastic syndrome; Neoplastic Syndromes, Hereditary. Identifiers: Orphanet 140162, MedGen C0027672, MeSH D009386, MONDO:0015356.
Familial adenomatous polyposis 1 (FAP1). Also called: FAMILIAL ADENOMATOUS POLYPOSIS 1, ATTENUATED; POLYPOSIS, ADENOMATOUS INTESTINAL. Identifiers: MedGen C2713442, MONDO:0021056, OMIM 175100. Disease mechanism: loss of function.

gnomAD v4.1: 1 of 1,614,158 alleles (0.000062%); highest among the groups gnomAD compares: Non-Finnish European, 0.000085%; no homozygotes.

Submissions (5):

Ambry Genetics
Classification: Uncertain significance for Hereditary cancer-predisposing syndrome. Last evaluated: 2026-04-28. Review status: criteria provided, single submitter. Criteria: Ambry Variant Classification Scheme 2023. Collection method: clinical testing. Allele origin: germline.
Comment: The p.P1594S variant (also known as c.4780C>T), located in coding exon 15 of the APC gene, results from a C to T substitution at nucleotide position 4780. The proline at codon 1594 is replaced by serine, an amino acid with similar properties. This amino acid position is not well conserved in available vertebrate species. In addition, in silico predictors for this gene do not accurately predict pathogenicity. Missense variants in APC are not a common cause of disease (Spier I et al. Genet Med. 2024 Feb;26(2):100992). Based on the available evidence, the clinical significance of this variant remains unclear.

Labcorp Genetics (formerly Invitae), Labcorp
Classification: Uncertain significance for Familial adenomatous polyposis 1. Last evaluated: 2025-07-30. Review status: criteria provided, single submitter. Criteria: Invitae Variant Classification Sherloc (09022015). Collection method: clinical testing. Allele origin: germline.
Comment: This sequence change replaces proline, which is neutral and non-polar, with serine, which is neutral and polar, at codon 1594 of the APC protein (p.Pro1594Ser). This variant is not present in population databases (gnomAD no frequency). This variant has not been reported in the literature in individuals affected with APC-related conditions. ClinVar contains an entry for this variant (Variation ID: 421894). Invitae Evidence Modeling of protein sequence and biophysical properties (such as structural, functional, and spatial information, amino acid conservation, physicochemical variation, residue mobility, and thermodynamic stability) indicates that this missense variant is not expected to disrupt APC protein function with a negative predictive value of 95%. In summary, the available evidence is currently insufficient to determine the role of this variant in disease. Therefore, it has been classified as a Variant of Uncertain Significance.

All of Us Research Program, National Institutes of Health
Classification: Uncertain significance for Classic or attenuated familial adenomatous polyposis. Last evaluated: 2024-04-16. Review status: criteria provided, single submitter. Criteria: ACMG Guidelines, 2015. Collection method: clinical testing. Allele origin: germline. Inheritance: Autosomal dominant inheritance. Observed: 5 variant alleles, 5 heterozygotes.
Comment: This missense variant replaces proline with serine at codon 1594 of the APC protein. Computational prediction suggests that this variant may not impact protein structure and function (internally defined REVEL score threshold <= 0.5, PMID: 27666373). Splice site prediction tools suggest that this variant may not impact RNA splicing. To our knowledge, functional studies have not been performed for this variant. This variant has not been reported in individuals affected with hereditary cancer in the literature. This variant has not been identified in the general population by the Genome Aggregation Database (gnomAD). The available evidence is insufficient to determine the role of this variant in disease conclusively. Therefore, this variant is classified as a Variant of Uncertain Significance.

This study involves interpretation of variants in research participants for the purpose of population health screening. Participant phenotype was not available at the time of variant classification. Additional details can be found in publication PMID: 35346344, PMCID: PMC8962531

Color Diagnostics, LLC DBA Color Health
Classification: Uncertain significance for Hereditary cancer-predisposing syndrome. Last evaluated: 2024-03-06. Review status: criteria provided, single submitter. Criteria: ACMG Guidelines, 2015. Collection method: clinical testing. Allele origin: germline.
Comment: This missense variant replaces proline with serine at codon 1594 of the APC protein. Computational prediction suggests that this variant may not impact protein structure and function (internally defined REVEL score threshold <= 0.5, PMID: 27666373). To our knowledge, functional studies have not been reported for this variant. This variant has not been reported in individuals affected with APC-related disorders in the literature. This variant has not been identified in the general population by the Genome Aggregation Database (gnomAD). The available evidence is insufficient to determine the role of this variant in disease conclusively. Therefore, this variant is classified as a Variant of Uncertain Significance.

GeneDx
Classification: Uncertain significance. Last evaluated: 2023-05-11. Review status: criteria provided, single submitter. Criteria: GeneDx Variant Classification Process June 2021. Collection method: clinical testing. Allele origin: germline. Affected: yes.
Comment: Not observed at significant frequency in large population cohorts (gnomAD); In silico analysis supports that this missense variant does not alter protein structure/function; Has not been previously published as pathogenic or benign to our knowledge; This variant is associated with the following publications: (PMID: 18199528)